The following is an entry in ClinVar:

ClinVar aggregate classification (germline): Uncertain significance. Review status: criteria provided, multiple submitters, no conflicts (2 of 4 stars). 2 submissions from 2 submitters: Uncertain significance (2). Last evaluated 2025-12-12.

Submissions (2):

Women's Health and Genetics/Laboratory Corporation of America, LabCorp
Classification: Uncertain significance. Last evaluated: 2025-12-12. Review status: criteria provided, single submitter. Criteria: LabCorp Variant Classification Summary - May 2015. Collection method: clinical testing. Allele origin: germline.
Comment: Variant summary: LPL c.15_17dupCCT (p.Leu7dup) results in an in-frame duplication that is predicted to duplicate one amino acids into the encoded protein. The variant allele was found at a frequency of 1.2e-05 in 240086 control chromosomes. The available data on variant occurrences in the general population are insufficient to allow any conclusion about variant significance. To our knowledge, no occurrence of c.15_17dupCCT in individuals affected with LPL-related conditions and no experimental evidence demonstrating its impact on protein function have been reported. No submitters have cited clinical-significance assessments for this variant to ClinVar. Based on the evidence outlined above, the variant was classified as uncertain significance.

Blueprint Genetics
Classification: Uncertain significance. Last evaluated: 2022-01-31. Review status: criteria provided, single submitter. Criteria: ACMG Guidelines, 2015. Collection method: clinical testing. Allele origin: germline.

NM_000237.3(LPL):c.15_17dup (p.Leu7_Val8insLeu)

Gene: LPL (lipoprotein lipase; plus strand). Cytogenetic location: 8p21.3.
Variant type: Duplication.
Coding change: c.15_17dup on transcript NM_000237.3 (MANE Select); coding-DNA positions 15 to 17, 3 bases duplicated (CCT; older notation c.15_17dupCCT).
Protein change: p.Leu7_Val8insLeu.
Molecular consequence: inframe insertion.
Genome position (GRCh38, 1-based): chr8:19,939,455-19,939,457, CCT duplicated. VCF-style (leftmost placement, unchanged base first): chr8-19939454-C-CCCT. GRCh37 (hg19) VCF-style: chr8-19796965-C-CCCT.
Other names: c.15_17dupCCT (NM_000237.3).
Identifiers: ClinVar variation 4688355 (VCV004688355.2).